The following is an entry in ClinVar:

ClinVar aggregate classification (germline): Uncertain significance (1 of 4 stars; one submission).

gnomAD v4.1: 1 of 1,614,060 alleles (0.000062%); highest among the groups gnomAD compares: Non-Finnish European, 0.000085%; no homozygotes.

Submission:

Labcorp Genetics (formerly Invitae), Labcorp
Classification: Uncertain significance. Last evaluated: 2024-12-12. Review status: criteria provided, single submitter. Criteria: Invitae Variant Classification Sherloc (09022015). Collection method: clinical testing. Allele origin: germline.
Comment: This sequence change replaces histidine, which is basic and polar, with aspartic acid, which is acidic and polar, at codon 545 of the SORL1 protein (p.His545Asp). This variant is not present in population databases (gnomAD no frequency). This variant has not been reported in the literature in individuals affected with SORL1-related conditions. An algorithm developed to predict the effect of missense changes on protein structure and function (PolyPhen-2) suggests that this variant is likely to be disruptive. In summary, the available evidence is currently insufficient to determine the role of this variant in disease. Therefore, it has been classified as a Variant of Uncertain Significance.

NM_003105.6(SORL1):c.1633C>G (p.His545Asp)

Gene: SORL1 (sortilin related receptor 1; plus strand). Cytogenetic location: 11q24.1.
Variant type: single nucleotide variant.
Coding change: c.1633C>G on transcript NM_003105.6 (MANE Select); coding-DNA position 1633, C replaced by G.
Protein change: p.His545Asp; replaces histidine 545 with aspartic acid.
Molecular consequence: missense variant.
Genome position (GRCh38, 1-based): chr11:121,532,500, C>G. VCF-style: chr11-121532500-C-G. GRCh37 (hg19) VCF-style: chr11-121403209-C-G.
Other names: short protein forms H545D.
Identifiers: ClinVar variation 3673305 (VCV003673305.2).
Genomic context (GRCh38, chr11:121,532,500, plus strand): 5'-TCACCATGGATTTTTCCTCTTCAGGCACTTCCTGGACCTCACTACTACACATGGGGAGAC[C>G]ACGGCGGAATCATCACGGCCATTGCCCAGGGCATGGAAACCAACGAGCTAAAGTAAGTGT-3'
Protein context (NP_003096.2, residues 535-555): PGPHYYTWGD[His545Asp]GGIITAIAQG